The following is an entry in ClinVar:

NM_020975.6(RET):c.1648+3A>G

Gene: RET (ret proto-oncogene; plus strand). Cytogenetic location: 10q11.21.
Variant type: single nucleotide variant.
Coding change: c.1648+3A>G on transcript NM_020975.6 (MANE Select); 3 bases into the intron after coding-DNA position 1648, A replaced by G.
Molecular consequence: intron variant.
Genome position (GRCh38, 1-based): chr10:43,112,227, A>G. VCF-style: chr10-43112227-A-G. GRCh37 (hg19) VCF-style: chr10-43607675-A-G.
Other names: c.1648+3A>G (NM_020630.7, NM_001406743.1, NM_001406744.1 and 4 more transcripts); c.1252+3A>G (NM_001406772.1, NM_001406769.1); c.1210+3A>G (NM_001406773.1, NM_001406771.1); c.751+3A>G (NM_001406782.1, NM_001406780.1, NM_001406779.1 and 3 more transcripts); c.1519+3A>G (NM_001406764.1, NM_001406762.1, NM_001406761.1 and 1 more transcripts); c.1123+3A>G (NM_001406774.1); c.622+3A>G (NM_001406786.1, NM_001406783.1); c.1360+3A>G (NM_001406770.1, NM_001406766.1, NM_001406767.1); and 5 more.
Identifiers: ClinVar variation 4545786 (VCV004545786.1).

ClinVar aggregate classification (germline): Uncertain significance (1 of 4 stars; one submission).

Conditions:
Hereditary cancer-predisposing syndrome. Also called: Tumor predisposition; Hereditary Cancer Syndrome; Hereditary neoplastic syndrome; Neoplastic Syndromes, Hereditary. Identifiers: Orphanet 140162, MedGen C0027672, MeSH D009386, MONDO:0015356.

Submission:

Ambry Genetics
Classification: Uncertain significance for Hereditary cancer-predisposing syndrome. Last evaluated: 2025-12-03. Review status: criteria provided, single submitter. Criteria: Ambry Variant Classification Scheme 2023. Collection method: clinical testing. Allele origin: germline.
Comment: The c.1648+3A>G intronic variant results from an A to G substitution 3 nucleotides after coding exon 8 in the RET gene. This nucleotide position is well conserved in available vertebrate species. In silico splice site analysis for this alteration is inconclusive. Based on the available evidence, the clinical significance of this variant remains unclear.